The following is an entry in ClinVar:

ClinVar aggregate classification (germline): Uncertain significance (1 of 4 stars; one submission).

Submission:

GeneDx
Classification: Uncertain significance. Last evaluated: 2026-03-13. Review status: criteria provided, single submitter. Criteria: GeneDx Variant Classification Process June 2021. Collection method: clinical testing. Allele origin: germline.
Comment: Not observed at significant frequency in large population cohorts (gnomAD); In silico analysis supports that this missense variant has a deleterious effect on protein structure/function; Has not been previously published as pathogenic or benign to our knowledge

NM_001369.3(DNAH5):c.6024C>A (p.Asp2008Glu)

Gene: DNAH5 (dynein axonemal heavy chain 5; minus strand). Cytogenetic location: 5p15.2.
Variant type: single nucleotide variant.
Coding change: c.6024C>A on transcript NM_001369.3 (MANE Select); coding-DNA position 6024, C replaced by A.
Protein change: p.Asp2008Glu; replaces aspartic acid 2008 with glutamic acid.
Molecular consequence: missense variant.
Genome position (GRCh38, 1-based): chr5:13,830,634, G>T on the plus strand (C>A on the coding strand, the complement: DNAH5 is on the minus strand). VCF-style: chr5-13830634-G-T. GRCh37 (hg19) VCF-style: chr5-13830743-G-T.
Other names: short protein forms D2008E.
Identifiers: ClinVar variation 5008911 (VCV005008911.1).